The following is an entry in ClinVar:

ClinVar aggregate classification (germline): Uncertain significance (1 of 4 stars; one submission).

Conditions:
Inborn genetic diseases. Identifiers: MedGen C0950123, MeSH D030342.

Submission:

Ambry Genetics
Classification: Uncertain significance for Inborn genetic diseases. Last evaluated: 2025-05-18. Review status: criteria provided, single submitter. Criteria: Ambry Variant Classification Scheme 2023. Collection method: clinical testing. Allele origin: germline.
Comment: The p.E1163G variant (also known as c.3488A>G), located in coding exon 16 of the MECOM gene, results from an A to G substitution at nucleotide position 3488. The glutamic acid at codon 1163 is replaced by glycine, an amino acid with similar properties. This amino acid position is conserved. In addition, this alteration is predicted to be tolerated by in silico analysis. Based on the available evidence, the clinical significance of this variant remains unclear.

NM_004991.4(MECOM):c.3488A>G (p.Glu1163Gly)

Gene: MECOM (MDS1 and EVI1 complex locus; minus strand). Cytogenetic location: 3q26.2.
Variant type: single nucleotide variant.
Coding change: c.3488A>G on transcript NM_004991.4 (MANE Select); coding-DNA position 3488, A replaced by G.
Protein change: p.Glu1163Gly; replaces glutamic acid 1163 with glycine.
Molecular consequence: missense variant.
Genome position (GRCh38, 1-based): chr3:169,089,097, T>C on the plus strand (A>G on the coding strand, the complement: MECOM is on the minus strand). VCF-style: chr3-169089097-T-C. GRCh37 (hg19) VCF-style: chr3-168806885-T-C.
Other names: c.3119A>G, p.Glu1040Gly (NM_001105077.4); c.2924A>G, p.Glu975Gly (NM_001105078.4, NM_001205194.2, NM_001366469.2 and 1 more transcripts); c.2900A>G, p.Glu967Gly (NM_001163999.2, NM_001366470.2); c.2897A>G, p.Glu966Gly (NM_001164000.2, NM_001366471.2, NM_001366472.2); c.3461A>G, p.Glu1154Gly (NM_001366466.2); c.2927A>G, p.Glu976Gly (NM_001366467.2, NM_001366468.2); c.2489A>G, p.Glu830Gly (NM_001366473.2); c.1925A>G, p.Glu642Gly (NM_001366474.2); short protein forms E966G, E967G, E975G, E1040G, E976G, E1154G, E1163G, E642G.
Identifiers: ClinVar variation 4053261 (VCV004053261.1).